The following is an entry in ClinVar:

ClinVar aggregate classification (germline): Uncertain significance. Review status: criteria provided, multiple submitters, no conflicts (2 of 4 stars). 2 submissions from 2 submitters: Uncertain significance (2). Last evaluated 2024-08-05.

Conditions:
Hereditary breast ovarian cancer syndrome. Also called: Hereditary breast and ovarian cancer; Hereditary breast and ovarian cancer syndrome (HBOC); Hereditary breast and/or ovarian cancer syndrome; Hereditary breast and ovarian cancer syndrome; Breast and ovarian cancer; BRCA1- and BRCA2-Associated Hereditary Breast and Ovarian Cancer. Identifiers: Orphanet 145, MedGen C0677776, MeSH D061325, MONDO:0003582. Disease mechanism: loss of function.
Pilocytic astrocytoma. Also called: Pilocytic astrocytoma, somatic. Identifiers: Orphanet 251612, MedGen C0334583, MONDO:0016691, HP:0033680.

gnomAD v4.1: 1 of 1,613,426 alleles (0.000062%); highest among the groups gnomAD compares: Non-Finnish European, 0.000085%; no homozygotes.

Submissions (2):

Labcorp Genetics (formerly Invitae), Labcorp
Classification: Uncertain significance for Hereditary breast ovarian cancer syndrome. Last evaluated: 2024-08-05. Review status: criteria provided, single submitter. Criteria: Invitae Variant Classification Sherloc (09022015). Collection method: clinical testing. Allele origin: germline.
Comment: This sequence change replaces leucine, which is neutral and non-polar, with arginine, which is basic and polar, at codon 852 of the BRCA1 protein (p.Leu852Arg). This variant is not present in population databases (gnomAD no frequency). This variant has not been reported in the literature in individuals affected with BRCA1-related conditions. Advanced modeling of protein sequence and biophysical properties (such as structural, functional, and spatial information, amino acid conservation, physicochemical variation, residue mobility, and thermodynamic stability) performed at Invitae indicates that this missense variant is not expected to disrupt BRCA1 protein function with a negative predictive value of 95%. In summary, the available evidence is currently insufficient to determine the role of this variant in disease. Therefore, it has been classified as a Variant of Uncertain Significance.

Laboratory of Medical Genetics Unit, Bambino Gesù Children's Hospital
Classification: Uncertain significance for Pilocytic astrocytoma. Review status: criteria provided, single submitter. Criteria: ACMG Guidelines, 2015. Collection method: research. Allele origin: germline. Affected: yes.
Comment: The variant NM_007294.4 (BRCA1):c.2555T>G (p.Leu852Arg) is not reported in GnomAD and in literature. It is annotated on Clinvar as vus associated with Hereditary Breast Ovarian Cancer Syndrome [RCV005082786]. It is classified as a VUS variant following the ACMG criteria (PM2 and PP3).

NM_007294.4(BRCA1):c.2555T>G (p.Leu852Arg)

Gene: BRCA1 (BRCA1 DNA repair associated; minus strand). Cytogenetic location: 17q21.31.
Variant type: single nucleotide variant.
Coding change: c.2555T>G on transcript NM_007294.4 (MANE Select); coding-DNA position 2555, T replaced by G.
Protein change: p.Leu852Arg; replaces leucine 852 with arginine.
Molecular consequence: missense variant. On other transcripts: intron variant (137).
Genome position (GRCh38, 1-based): chr17:43,092,976, A>C on the plus strand (T>G on the coding strand, the complement: BRCA1 is on the minus strand). VCF-style: chr17-43092976-A-C. GRCh37 (hg19) VCF-style: chr17-41244993-A-C.
Other names: c.2555T>G, p.Leu852Arg (NM_001407640.1, NM_001407641.1, NM_001407642.1 and 30 more transcripts); c.2552T>G, p.Leu851Arg (NM_001407644.1, NM_001407645.1, NM_001407587.1 and 22 more transcripts); c.2546T>G, p.Leu849Arg (NM_001407646.1, NM_001407647.1); c.2432T>G, p.Leu811Arg (NM_001407648.1, NM_001407664.1, NM_001407665.1 and 19 more transcripts); c.2429T>G, p.Leu810Arg (NM_001407649.1, NM_001407670.1, NM_001407671.1 and 11 more transcripts); c.2477T>G, p.Leu826Arg (NM_001407653.1, NM_001407654.1, NM_001407655.1 and 4 more transcripts); c.2474T>G, p.Leu825Arg (NM_001407659.1, NM_001407660.1, NM_001407661.1 and 1 more transcripts); c.2414T>G, p.Leu805Arg (NM_001407692.1, NM_001407694.1, NM_001407695.1 and 29 more transcripts); and 41 more; short protein forms L556R, L684R, L724R, L725R, L740R, L741R, L763R, L764R.
Identifiers: ClinVar variation 3623617 (VCV003623617.3).